The following is an entry in ClinVar:

ClinVar aggregate classification (germline): Uncertain significance. Review status: criteria provided, multiple submitters, no conflicts (2 of 4 stars). 3 submissions from 3 submitters: Uncertain significance (2). 1 of the submissions does not count toward it. Last evaluated 2024-10-26.

Conditions:
Muscular dystrophy-dystroglycanopathy (congenital with impaired intellectual development), type B, 3. Also called: Muscular dystrophy-dystroglycanopathy (congenital with intellectual disability), type B3; MUSCULAR DYSTROPHY, CONGENITAL, POMGNT1-RELATED. Identifiers: MedGen C3150412, MONDO:0013155, OMIM 613151.
Autosomal recessive limb-girdle muscular dystrophy type 2O. Also called: MUSCULAR DYSTROPHY-DYSTROGLYCANOPATHY (LIMB-GIRDLE), TYPE C, 3; Limb-Girdle Muscular Dystrophy Type 3C; MUSCULAR DYSTROPHY-DYSTROGLYCANOPATHY, LIMB-GIRDLE, POMGNT1-RELATED. Identifiers: Orphanet 206564, MedGen C3150417, MONDO:0013161, OMIM 613157.
Muscle eye brain disease (MEB). Also called: Santavuori congenital muscular dystrophy. Identifiers: Orphanet 588, Orphanet 899, MedGen C0457133, MONDO:0018939.

Allele frequency attached by ClinVar (database versions not stated): gnomAD exomes 0.00001; gnomAD 0.00002; TOPMed 0.00002.
gnomAD v4.1: 6 of 1,613,684 alleles (0.00037%); highest among the groups gnomAD compares: African/African-American, 0.0053%; no homozygotes.

Submissions (3):

Labcorp Genetics (formerly Invitae), Labcorp
Classification: Uncertain significance for Autosomal recessive limb-girdle muscular dystrophy type 2O; Muscular dystrophy-dystroglycanopathy (congenital with impaired intellectual development), type B, 3. Last evaluated: 2024-10-26. Review status: criteria provided, single submitter. Criteria: Invitae Variant Classification Sherloc (09022015). Collection method: clinical testing. Allele origin: germline.
Comment: This sequence change replaces lysine, which is basic and polar, with glutamic acid, which is acidic and polar, at codon 595 of the POMGNT1 protein (p.Lys595Glu). This variant is present in population databases (rs797045896, gnomAD 0.006%). This variant has not been reported in the literature in individuals affected with POMGNT1-related conditions. ClinVar contains an entry for this variant (Variation ID: 211940). An algorithm developed to predict the effect of missense changes on protein structure and function (PolyPhen-2) suggests that this variant is likely to be disruptive. In summary, the available evidence is currently insufficient to determine the role of this variant in disease. Therefore, it has been classified as a Variant of Uncertain Significance.

Genetic Services Laboratory, University of Chicago
Classification: Uncertain significance. Last evaluated: 2015-03-09. Review status: criteria provided, single submitter. Criteria: ACMG Guidelines, 2015. Collection method: clinical testing. Allele origin: germline.

Natera, Inc.
Classification: Uncertain significance for Muscle-eye-brain disease. Last evaluated: 2019-11-11. Review status: no assertion criteria provided. Collection method: clinical testing. Allele origin: germline. Not counted in ClinVar's aggregate classification.

NM_017739.4(POMGNT1):c.1783A>G (p.Lys595Glu)

Genes: POMGNT1 (protein O-linked mannose N-acetylglucosaminyltransferase 1 (beta 1,2-); minus strand), TSPAN1 (tetraspanin 1; plus strand). Cytogenetic location: 1p34.1.
Variant type: single nucleotide variant.
Coding change: c.1783A>G on transcript NM_017739.4 (MANE Select); coding-DNA position 1783, A replaced by G.
Protein change: p.Lys595Glu; replaces lysine 595 with glutamic acid.
Molecular consequence: missense variant.
Genome position (GRCh38, 1-based): chr1:46,189,856, T>C on the plus strand (A>G on the coding strand, the complement: POMGNT1 is on the minus strand). VCF-style: chr1-46189856-T-C. GRCh37 (hg19) VCF-style: chr1-46655528-T-C.
Other names: c.1783A>G, p.Lys595Glu (NM_001243766.2, NM_001410783.1); c.1717A>G, p.Lys573Glu (NM_001290129.3); c.1354A>G, p.Lys452Glu (NM_001290130.2); short protein forms K595E, K452E, K573E.
Identifiers: ClinVar variation 211940 (VCV000211940.14), dbSNP rs797045896, ClinGen allele CA207507.